The following is an entry in ClinVar:

ClinVar aggregate classification (germline): Uncertain significance (1 of 4 stars; one submission).

Allele frequency attached by ClinVar (database versions not stated): gnomAD exomes below 0.00001; gnomAD 0.00001; TOPMed 0.00001; ESP Exome Variant Server 0.00008.
gnomAD v4.1: 2 of 1,614,048 alleles (0.00012%); highest among the groups gnomAD compares: African/African-American, 0.0013%; no homozygotes.

Submission:

GeneDx
Classification: Uncertain significance. Last evaluated: 2021-03-18. Review status: criteria provided, single submitter. Criteria: GeneDx Variant Classification Process June 2021. Collection method: clinical testing. Allele origin: germline. Affected: yes.
Comment: Not observed in large population cohorts (Lek et al., 2016); In silico analysis supports that this missense variant has a deleterious effect on protein structure/function; Has not been previously published as pathogenic or benign to our knowledge

NM_004082.5(DCTN1):c.1523A>G (p.Glu508Gly)

Gene: DCTN1 (dynactin subunit 1; minus strand). Cytogenetic location: 2p13.1.
Variant type: single nucleotide variant.
Coding change: c.1523A>G on transcript NM_004082.5 (MANE Select); coding-DNA position 1523, A replaced by G.
Protein change: p.Glu508Gly; replaces glutamic acid 508 with glycine.
Molecular consequence: missense variant. On other transcripts: non-coding transcript variant (1).
Genome position (GRCh38, 1-based): chr2:74,369,361, T>C on the plus strand (A>G on the coding strand, the complement: DCTN1 is on the minus strand). VCF-style: chr2-74369361-T-C. GRCh37 (hg19) VCF-style: chr2-74596488-T-C.
Other names: c.1463A>G, p.Glu488Gly (NM_001135040.3); c.1121A>G, p.Glu374Gly (NM_001135041.3, NM_023019.4); c.1412A>G, p.Glu471Gly (NM_001190836.2); c.1502A>G, p.Glu501Gly (NM_001190837.2); c.1472A>G, p.Glu491Gly (NM_001378991.1); c.1454A>G, p.Glu485Gly (NM_001378992.1); short protein forms E374G, E471G, E485G, E488G, E491G, E501G, E508G.
Identifiers: ClinVar variation 1318762 (VCV001318762.2), dbSNP rs148449665, ClinGen allele CA50476417.